The following is an entry in ClinVar:

NM_000191.3(HMGCL):c.793G>A (p.Gly265Ser)

Gene: HMGCL (3-hydroxy-3-methylglutaryl-CoA lyase; minus strand). Cytogenetic location: 1p36.11.
Variant type: single nucleotide variant.
Coding change: c.793G>A on transcript NM_000191.3 (MANE Select); coding-DNA position 793, G replaced by A.
Protein change: p.Gly265Ser; replaces glycine 265 with serine.
Molecular consequence: missense variant.
Genome position (GRCh38, 1-based): chr1:23,804,483, C>T on the plus strand (G>A on the coding strand, the complement: HMGCL is on the minus strand). VCF-style: chr1-23804483-C-T. GRCh37 (hg19) VCF-style: chr1-24130973-C-T.
Other names: c.580G>A, p.Gly194Ser (NM_001166059.2); short protein forms G265S, G194S.
Identifiers: ClinVar variation 1909103 (VCV001909103.6), dbSNP rs2521382161, ClinGen allele CA339021275.

ClinVar aggregate classification (germline): Conflicting classifications of pathogenicity. Review status: criteria provided, conflicting classifications (1 of 4 stars). 2 submissions from 2 submitters: Likely pathogenic (1); Uncertain significance (1). Last evaluated 2023-07-30.

Conditions:
Deficiency of hydroxymethylglutaryl-CoA lyase (HMGCLD). Also called: HMGCL DEFICIENCY; HYDROXYMETHYLGLUTARIC ACIDURIA; Defect in leucine metabolism; 3-hydroxy-3-methylglutaric aciduria; HMG-CoA LYASE DEFICIENCY. Identifiers: Orphanet 20, MedGen C1533587, MONDO:0009520, OMIM 246450.

Submissions (2):

Labcorp Genetics (formerly Invitae), Labcorp
Classification: Uncertain significance for Deficiency of hydroxymethylglutaryl-CoA lyase. Last evaluated: 2023-07-30. Review status: criteria provided, single submitter. Criteria: Invitae Variant Classification Sherloc (09022015). Collection method: clinical testing. Allele origin: germline.
Comment: ClinVar contains an entry for this variant (Variation ID: 1909103). An algorithm developed to predict the effect of missense changes on protein structure and function (PolyPhen-2) suggests that this variant is likely to be disruptive. In summary, the available evidence is currently insufficient to determine the role of this variant in disease. Therefore, it has been classified as a Variant of Uncertain Significance. This variant has not been reported in the literature in individuals affected with HMGCL-related conditions. This sequence change replaces glycine, which is neutral and non-polar, with serine, which is neutral and polar, at codon 265 of the HMGCL protein (p.Gly265Ser). This variant is not present in population databases (gnomAD no frequency).

Kariminejad - Najmabadi Pathology & Genetics Center
Classification: Likely pathogenic for Deficiency of hydroxymethylglutaryl-CoA lyase. Review status: criteria provided, single submitter. Criteria: ACMG Guidelines, 2015. Collection method: clinical testing. Allele origin: germline. Affected: no.